The following is an entry in ClinVar:

ClinVar aggregate classification (germline): Pathogenic (1 of 4 stars; one submission).

Conditions:
Hereditary cancer-predisposing syndrome. Also called: Neoplastic Syndromes, Hereditary; Tumor predisposition; Hereditary Cancer Syndrome; Hereditary neoplastic syndrome. Identifiers: Orphanet 140162, MedGen C0027672, MeSH D009386, MONDO:0015356.

Submission:

Ambry Genetics
Classification: Pathogenic for Hereditary cancer-predisposing syndrome. Last evaluated: 2026-03-05. Review status: criteria provided, single submitter. Criteria: Ambry Variant Classification Scheme 2023. Collection method: clinical testing. Allele origin: germline.
Comment: The c.3189delC pathogenic mutation, located in coding exon 9 of the BRCA1 gene, results from a deletion of one nucleotide at nucleotide position 3189, causing a translational frameshift with a predicted alternate stop codon (p.S1064Vfs*9). This alteration is expected to result in loss of function by premature protein truncation or nonsense-mediated mRNA decay. This variant is considered to be rare based on population cohorts in the Genome Aggregation Database (gnomAD). As such, this alteration is interpreted as a disease-causing mutation.

NM_007294.4(BRCA1):c.3189del (p.Ser1064fs)

Gene: BRCA1 (BRCA1 DNA repair associated; minus strand). Cytogenetic location: 17q21.31.
Variant type: Deletion.
Coding change: c.3189del on transcript NM_007294.4 (MANE Select); coding-DNA position 3189, one base deleted (C; older notation c.3189delC).
Protein change: p.Ser1064fs; shifts the reading frame from serine 1064.
Molecular consequence: frameshift variant. On other transcripts: intron variant (137).
Genome position (GRCh38, 1-based): chr17:43,092,342, G deleted on the plus strand (C on the coding strand, the reverse complement: BRCA1 is on the minus strand); the first of 2 consecutive G bases (chr17:43,092,342-43,092,343); deleting either gives the same sequence. VCF-style (leftmost placement, unchanged base first): chr17-43092341-TG-T. GRCh37 (hg19) VCF-style: chr17-41244358-TG-T.
Other names: c.3180del, p.Ser1061fs (NM_001407646.1, NM_001407647.1); c.3066del, p.Ser1023fs (NM_001407648.1, NM_001407863.1, NM_001407664.1 and 19 more transcripts); c.3063del, p.Ser1022fs (NM_001407649.1, NM_001407670.1, NM_001407671.1 and 11 more transcripts); c.404-1310del (NM_001408511.1); c.647-1310del (NM_001408457.1, NM_001408460.1, NM_001408454.1 and 11 more transcripts); c.521-1310del (NM_001408505.1, NM_001408503.1, NM_001408504.1); c.461-1310del (NM_001408507.1, NM_001408506.1); c.545-1310del (NM_001408495.1); and 42 more; short protein forms S1016fs, S1023fs, S1038fs, S975fs, S1017fs, S1037fs, S768fs, S937fs.
Identifiers: ClinVar variation 4826630 (VCV004826630.1).